The following is an entry in ClinVar:

NM_005245.4(FAT1):c.1686G>A (p.Leu562=)

Gene: FAT1 (FAT atypical cadherin 1; minus strand). Cytogenetic location: 4q35.2.
Variant type: single nucleotide variant.
Coding change: c.1686G>A on transcript NM_005245.4 (MANE Select); coding-DNA position 1686, G replaced by A.
Protein change: p.Leu562=; no amino-acid change (leucine 562 retained).
Molecular consequence: synonymous variant.
Genome position (GRCh38, 1-based): chr4:186,708,142, C>T on the plus strand (G>A on the coding strand, the complement: FAT1 is on the minus strand). VCF-style: chr4-186708142-C-T. GRCh37 (hg19) VCF-style: chr4-187629296-C-T.
Other names: c.1686G>A (NM_005245.3).
Identifiers: ClinVar variation 2180236 (VCV002180236.6), dbSNP rs149119136, ClinGen allele CA3167410.

ClinVar aggregate classification (germline): Likely benign. Review status: criteria provided, single submitter (1 of 4 stars). 2 submissions from 2 submitters: Likely benign (1). 1 of the submissions does not count toward it. Last evaluated 2025-09-25.

Conditions:
FAT1-related disorder. Also called: FAT1-related condition.

Allele frequency attached by ClinVar (database versions not stated): gnomAD exomes 0.00001; ExAC 0.00005; TOPMed 0.00015; 1000 Genomes Project 30x 0.00016; ESP Exome Variant Server 0.00017; gnomAD 0.00019; 1000 Genomes Project 0.00020.
gnomAD v4.1: 39 of 1,613,912 alleles (0.0024%); highest among the groups gnomAD compares: African/African-American, 0.047%; no homozygotes.

Submissions (2):

Labcorp Genetics (formerly Invitae), Labcorp
Classification: Likely benign. Last evaluated: 2025-09-25. Review status: criteria provided, single submitter. Criteria: Invitae Variant Classification Sherloc (09022015). Collection method: clinical testing. Allele origin: germline.

PreventionGenetics, part of Exact Sciences
Classification: Likely benign for FAT1-related condition. Last evaluated: 2022-08-16. Review status: no assertion criteria provided. Collection method: clinical testing. Allele origin: germline. Not counted in ClinVar's aggregate classification.
Comment: This variant is classified as likely benign based on ACMG/AMP sequence variant interpretation guidelines (Richards et al. 2015 PMID: 25741868, with internal and published modifications).